The following is an entry in ClinVar:

ClinVar aggregate classification (germline): Uncertain significance (1 of 4 stars; one submission).

Allele frequency attached by ClinVar (database versions not stated): TOPMed below 0.00001; gnomAD 0.00001.
gnomAD v4.1: 1 of 1,525,438 alleles (0.000066%); highest among the groups gnomAD compares: Non-Finnish European, 0.00009%; no homozygotes.

Submission:

Labcorp Genetics (formerly Invitae), Labcorp
Classification: Uncertain significance. Last evaluated: 2024-01-17. Review status: criteria provided, single submitter. Criteria: Invitae Variant Classification Sherloc (09022015). Collection method: clinical testing. Allele origin: germline.
Comment: This sequence change falls in intron 6 of the IMPG1 gene. It does not directly change the encoded amino acid sequence of the IMPG1 protein. It affects a nucleotide within the consensus splice site. This variant is not present in population databases (gnomAD no frequency). This variant has not been reported in the literature in individuals affected with IMPG1-related conditions. Variants that disrupt the consensus splice site are a relatively common cause of aberrant splicing (PMID: 17576681, 9536098). Algorithms developed to predict the effect of sequence changes on RNA splicing suggest that this variant may disrupt the consensus splice site. In summary, the available evidence is currently insufficient to determine the role of this variant in disease. Therefore, it has been classified as a Variant of Uncertain Significance.

Literature cited by the submitters: PubMed 17576681; PubMed 9536098.

NM_001563.4(IMPG1):c.666+4A>T

Gene: IMPG1 (interphotoreceptor matrix proteoglycan 1; minus strand). Cytogenetic location: 6q14.1.
Variant type: single nucleotide variant.
Coding change: c.666+4A>T on transcript NM_001563.4 (MANE Select); 4 bases into the intron after coding-DNA position 666, A replaced by T.
Molecular consequence: intron variant.
Genome position (GRCh38, 1-based): chr6:76,022,112, T>A on the plus strand (A>T on the coding strand, the complement: IMPG1 is on the minus strand). VCF-style: chr6-76022112-T-A. GRCh37 (hg19) VCF-style: chr6-76731829-T-A.
Other names: c.432+4A>T (NM_001282368.2).
Identifiers: ClinVar variation 2995390 (VCV002995390.3), dbSNP rs1320535255, ClinGen allele CA828152138.
Genomic context (GRCh38, chr6:76,022,112, plus strand): 5'-CCTGTTTTGCTAAAGAACAAAAACAGGCACATGAAGAGCTAGATCAACTCTAGGAACTTC[T>A]TACTGTTGTAGGCATCTTGGTGTCGTTGAGTGTATTATCGAGAATTTCATTGAGGAGGGT-3'